The following is an entry in ClinVar:

NM_016529.6(ATP8A2):c.407T>G (p.Ile136Ser)

Gene: ATP8A2 (ATPase phospholipid transporting 8A2). Cytogenetic location: 13q12.13.
Variant type: single nucleotide variant.
Coding change: c.407T>G on transcript NM_016529.6 (MANE Select); coding-DNA position 407, T replaced by G.
Protein change: p.Ile136Ser; replaces isoleucine 136 with serine.
Molecular consequence: missense variant.
Genome position (GRCh38, 1-based): chr13:25,530,647, T>G. VCF-style: chr13-25530647-T-G. GRCh37 (hg19) VCF-style: chr13-26104785-T-G.
Other names: c.287T>G, p.Ile96Ser (NM_001313741.1); c.407T>G, p.Ile136Ser (NM_001411005.1, NM_001411006.1); c.407T>G (NM_016529.4); short protein forms I96S, I136S.
Identifiers: ClinVar variation 2201206 (VCV002201206.4), dbSNP rs756242481, ClinGen allele CA6922541.

ClinVar aggregate classification (germline): Uncertain significance. Review status: criteria provided, multiple submitters, no conflicts (2 of 4 stars). 2 submissions from 2 submitters: Uncertain significance (2). Last evaluated 2023-05-05.

Conditions:
Inborn genetic diseases. Identifiers: MedGen C0950123, MeSH D030342.

Allele frequency attached by ClinVar (database versions not stated): ExAC 0.00002.
gnomAD v4.1: 59 of 1,581,516 alleles (0.0037%); highest among the groups gnomAD compares: Non-Finnish European, 0.0048%; no homozygotes.

Submissions (2):

Ambry Genetics
Classification: Uncertain significance for Inborn genetic diseases. Last evaluated: 2023-05-05. Review status: criteria provided, single submitter. Criteria: Ambry Variant Classification Scheme 2023. Collection method: clinical testing. Allele origin: germline.

Labcorp Genetics (formerly Invitae), Labcorp
Classification: Uncertain significance. Last evaluated: 2022-08-19. Review status: criteria provided, single submitter. Criteria: Invitae Variant Classification Sherloc (09022015). Collection method: clinical testing. Allele origin: germline.
Comment: In summary, the available evidence is currently insufficient to determine the role of this variant in disease. Therefore, it has been classified as a Variant of Uncertain Significance. Algorithms developed to predict the effect of missense changes on protein structure and function are either unavailable or do not agree on the potential impact of this missense change (SIFT: "Deleterious"; PolyPhen-2: "Probably Damaging"; Align-GVGD: "Class C0"). This variant has not been reported in the literature in individuals affected with ATP8A2-related conditions. This variant is present in population databases (rs756242481, gnomAD 0.002%). This sequence change replaces isoleucine, which is neutral and non-polar, with serine, which is neutral and polar, at codon 136 of the ATP8A2 protein (p.Ile136Ser).